The following is an entry in ClinVar:

ClinVar aggregate classification (germline): Uncertain significance (1 of 4 stars; one submission).

Conditions:
Developmental and epileptic encephalopathy, 53. Also called: Epileptic encephalopathy, early infantile, 53. Identifiers: MedGen C4479313, MONDO:0033362, OMIM 617389.
Early-onset Parkinson disease 20. Also called: PARKINSON DISEASE 20, AUTOSOMAL RECESSIVE EARLY-ONSET. Identifiers: Orphanet 391411, MedGen C3809824, MONDO:0014233, OMIM 615530.

Allele frequency attached by ClinVar (database versions not stated): gnomAD exomes below 0.00001; TOPMed below 0.00001.
gnomAD v4.1: 2 of 1,600,348 alleles (0.00012%); highest among the groups gnomAD compares: Admixed American, 0.0017%; no homozygotes.

Submission:

Labcorp Genetics (formerly Invitae), Labcorp
Classification: Uncertain significance for Developmental and epileptic encephalopathy, 53; Early-onset Parkinson disease 20. Last evaluated: 2022-03-18. Review status: criteria provided, single submitter. Criteria: Invitae Variant Classification Sherloc (09022015). Collection method: clinical testing. Allele origin: germline.
Comment: This variant has not been reported in the literature in individuals affected with SYNJ1-related conditions. This sequence change falls in intron 14 of the SYNJ1 gene. It does not directly change the encoded amino acid sequence of the SYNJ1 protein. It affects a nucleotide within the consensus splice site. This variant is present in population databases (no rsID available, gnomAD 0.003%). Variants that disrupt the consensus splice site are a relatively common cause of aberrant splicing (PMID: 17576681, 9536098). Algorithms developed to predict the effect of sequence changes on RNA splicing suggest that this variant is not likely to affect RNA splicing. In summary, the available evidence is currently insufficient to determine the role of this variant in disease. Therefore, it has been classified as a Variant of Uncertain Significance.

Literature cited by the submitters: PubMed 17576681; PubMed 9536098.

NM_203446.3(SYNJ1):c.1726+6C>T

Gene: SYNJ1 (synaptojanin 1; minus strand). Cytogenetic location: 21q22.11.
Variant type: single nucleotide variant.
Coding change: c.1726+6C>T on transcript NM_203446.3 (MANE Select); 6 bases into the intron after coding-DNA position 1726, C replaced by T.
Molecular consequence: intron variant.
Genome position (GRCh38, 1-based): chr21:32,673,334, G>A on the plus strand (C>T on the coding strand, the complement: SYNJ1 is on the minus strand). VCF-style: chr21-32673334-G-A. GRCh37 (hg19) VCF-style: chr21-34045644-G-A.
Other names: c.1843+6C>T (NM_003895.4); c.1726+6C>T (NM_001160302.2); c.1711+6C>T (NM_001160306.2).
Identifiers: ClinVar variation 1490654 (VCV001490654.6), dbSNP rs1225388121, ClinGen allele CA638052372.